The following is an entry in ClinVar:

NM_003620.4(PPM1D):c.1262C>A (p.Ser421Ter)

Gene: PPM1D (protein phosphatase, Mg2+/Mn2+ dependent 1D; plus strand). Cytogenetic location: 17q23.2.
Variant type: single nucleotide variant.
Coding change: c.1262C>A on transcript NM_003620.4 (MANE Select); coding-DNA position 1262, C replaced by A.
Protein change: p.Ser421Ter; replaces serine 421 with a stop codon.
Molecular consequence: nonsense.
Genome position (GRCh38, 1-based): chr17:60,662,996, C>A. VCF-style: chr17-60662996-C-A. GRCh37 (hg19) VCF-style: chr17-58740357-C-A.
Other names: c.1262C>A (NM_003620.3); short protein forms S421*.
Identifiers: ClinVar variation 1704248 (VCV001704248.5), dbSNP rs2031551111, ClinGen allele CA400455896.

ClinVar aggregate classification (germline): Pathogenic/Likely pathogenic. Review status: criteria provided, multiple submitters, no conflicts (2 of 4 stars). 4 submissions from 4 submitters: Pathogenic (1); Likely pathogenic (2). 1 of the submissions does not count toward it. Last evaluated 2025-12-09.

Conditions:
PPM1D-related disorder. Also called: PPM1D-related condition.
Intellectual developmental disorder with gastrointestinal difficulties and high pain threshold (JDVS). Also called: JANSEN-DE VRIES SYNDROME. Identifiers: Orphanet 653767, MedGen C4479517, MONDO:0044318, OMIM 617450.

gnomAD v4.1: 1 of 1,587,276 alleles (0.000063%); highest among the groups gnomAD compares: Non-Finnish European, 0.000086%; no homozygotes.

Submissions (4):

3billion
Classification: Likely pathogenic for Intellectual developmental disorder with gastrointestinal difficulties and high pain threshold. Last evaluated: 2025-12-09. Review status: criteria provided, single submitter. Criteria: ACMG Guidelines, 2015. Collection method: clinical testing. Allele origin: germline. Affected: yes.
Comment: The variant is observed at an extremely low frequency in the gnomAD v4.1.0 dataset (total allele frequency: <0.001%). Predicted Consequence/Location: Stop-gained (nonsense): predicted to result in a loss or disruption of normal protein function through protein truncation. Multiple pathogenic variants are reported in the predicted truncated region. The variant has been reported to be associated with PPM1D-related disorder (ClinVar ID: VCV001704248 /PMID: 37183572). Therefore, this variant is classified as Likely pathogenic according to the recommendation of ACMG/AMP guideline.

GeneDx
Classification: Pathogenic. Last evaluated: 2023-06-28. Review status: criteria provided, single submitter. Criteria: GeneDx Variant Classification Process June 2021. Collection method: clinical testing. Allele origin: germline. Affected: yes.
Comment: Nonsense variant predicted to result in protein truncation as the last 185 amino acids are lost; Not observed in large population cohorts (gnomAD); Has not been previously published as pathogenic or benign to our knowledge; This variant is associated with the following publications: (PMID: 28191889)

Blueprint Genetics
Classification: Likely pathogenic for PPM1D-related disorders. Last evaluated: 2022-03-10. Review status: criteria provided, single submitter. Criteria: ACMG Guidelines, 2015. Collection method: clinical testing. Allele origin: de novo. Affected: yes. Observed: 1 variant allele.

Laboratory of Medical and Molecular Genetics, The National Medical Research Center for Endocrinology
Classification: Benign for Intellectual developmental disorder with gastrointestinal difficulties and high pain threshold. Last evaluated: 2022-09-01. Review status: no assertion criteria provided. Collection method: clinical testing. Allele origin: inherited. Affected: yes. Observed: 1 heterozygote. Not counted in ClinVar's aggregate classification.

Literature cited by the submitters: PubMed 37183572 (cited by 3billion); DOI 10.1016/j.ajhg.2017.02.005 (cited by Laboratory of Medical and Molecular Genetics, The National Medical Research Center for Endocrinology).